The following is an entry in ClinVar:

ClinVar aggregate classification (germline): Uncertain significance. Review status: criteria provided, multiple submitters, no conflicts (2 of 4 stars). 2 submissions from 2 submitters: Uncertain significance (2). Last evaluated 2025-08-14.

Allele frequency attached by ClinVar (database versions not stated): TOPMed below 0.00001; gnomAD 0.00001.
gnomAD v4.1: 7 of 1,364,270 alleles (0.00051%); highest among the groups gnomAD compares: Admixed American, 0.006%; no homozygotes.

Submissions (2):

Ambry Genetics
Classification: Uncertain significance. Last evaluated: 2025-08-14. Review status: criteria provided, single submitter. Criteria: Ambry Variant Classification Scheme 2023. Collection method: clinical testing. Allele origin: germline.

Labcorp Genetics (formerly Invitae), Labcorp
Classification: Uncertain significance. Last evaluated: 2022-09-06. Review status: criteria provided, single submitter. Criteria: Invitae Variant Classification Sherloc (09022015). Collection method: clinical testing. Allele origin: germline.
Comment: In summary, the available evidence is currently insufficient to determine the role of this variant in disease. Therefore, it has been classified as a Variant of Uncertain Significance. Algorithms developed to predict the effect of missense changes on protein structure and function are either unavailable or do not agree on the potential impact of this missense change (SIFT: "Deleterious"; PolyPhen-2: "Possibly Damaging"; Align-GVGD: "Class C0"). This variant has not been reported in the literature in individuals affected with SAMD11-related conditions. This variant is not present in population databases (gnomAD no frequency). This sequence change replaces proline, which is neutral and non-polar, with leucine, which is neutral and non-polar, at codon 315 of the SAMD11 protein (p.Pro315Leu).

NM_001385641.1(SAMD11):c.1433C>T (p.Pro478Leu)

Gene: SAMD11 (sterile alpha motif domain containing 11; plus strand). Cytogenetic location: 1p36.33.
Variant type: single nucleotide variant.
Coding change: c.1433C>T on transcript NM_001385641.1 (MANE Select); coding-DNA position 1433, C replaced by T.
Protein change: p.Pro478Leu; replaces proline 478 with leucine.
Molecular consequence: missense variant.
Genome position (GRCh38, 1-based): chr1:942,210, C>T. VCF-style: chr1-942210-C-T. GRCh37 (hg19) VCF-style: chr1-877590-C-T.
Other names: c.1436C>T, p.Pro479Leu (NM_001385640.1); c.944C>T, p.Pro315Leu (NM_152486.4); c.944C>T (NM_152486.2); short protein forms P315L, P478L, P479L.
Identifiers: ClinVar variation 1947993 (VCV001947993.6), dbSNP rs1453804562, ClinGen allele CA337806781.